The following is an entry in ClinVar:

ClinVar aggregate classification (germline): Pathogenic/Likely pathogenic. Review status: criteria provided, multiple submitters, no conflicts (2 of 4 stars). 2 submissions from 2 submitters: Pathogenic (1); Likely pathogenic (1). Last evaluated 2022-12-23.

Conditions:
Hereditary cancer-predisposing syndrome. Also called: Hereditary neoplastic syndrome; Tumor predisposition; Neoplastic Syndromes, Hereditary; Hereditary Cancer Syndrome. Identifiers: Orphanet 140162, MedGen C0027672, MeSH D009386, MONDO:0015356.
Multiple endocrine neoplasia, type 1 (MEN1). Also called: MEN I; Endocrine adenomatosis multiple; MEN 1; WERMER SYNDROME; MEA I. Identifiers: Orphanet 652, MedGen C0025267, MeSH D018761, MONDO:0007540, OMIM 131100.

Submissions (2):

Baylor Genetics
Classification: Likely pathogenic for Multiple Endocrine Neoplasia Type 1. Last evaluated: 2022-12-23. Review status: criteria provided, single submitter. Criteria: ACMG Guidelines, 2015. Collection method: clinical testing. Allele origin: unknown.

Ambry Genetics
Classification: Pathogenic for Hereditary cancer-predisposing syndrome. Last evaluated: 2020-07-23. Review status: criteria provided, single submitter. Criteria: Ambry Variant Classification Scheme 2023. Collection method: clinical testing. Allele origin: germline.
Comment: The c.1247_1254delTCTACGAC pathogenic mutation, located in coding exon 8 of the MEN1 gene, results from a deletion of 8 nucleotides at nucleotide positions 1247 to 1254, causing a translational frameshift with a predicted alternate stop codon (p.F416Wfs*30). This alteration is expected to result in loss of function by premature protein truncation. As such, this alteration is interpreted as a disease-causing mutation.

NM_001370259.2(MEN1):c.1247_1254del (p.Phe416fs)

Gene: MEN1 (menin 1; minus strand). Cytogenetic location: 11q13.1.
Variant type: Deletion.
Coding change: c.1247_1254del on transcript NM_001370259.2 (MANE Select); coding-DNA positions 1247 to 1254, 8 bases deleted (TCTACGAC; older notation c.1247_1254delTCTACGAC).
Protein change: p.Phe416fs; shifts the reading frame from phenylalanine 416.
Molecular consequence: frameshift variant.
Genome position (GRCh38, 1-based): chr11:64,805,130-64,805,137, GTCGTAGA deleted on the plus strand (TCTACGAC on the coding strand, the reverse complement: MEN1 is on the minus strand). VCF-style (leftmost placement, unchanged base first): chr11-64805129-CGTCGTAGA-C. GRCh37 (hg19) VCF-style: chr11-64572601-CGTCGTAGA-C.
Other names: c.1262_1269del, p.Phe421fs (NM_000244.4, NM_130800.3, NM_130801.3 and 3 more transcripts); c.1373_1380del, p.Phe458fs (NM_001370251.2); c.1247_1254del, p.Phe416fs (NM_001370260.2, NM_001370261.2, NM_130799.3); c.1142_1149del, p.Phe381fs (NM_001370262.2, NM_001370263.2); c.1247_1254delTCTACGAC (NM_130799.2); c.1247_1254del (NM_130799.2); short protein forms F381fs, F421fs, F458fs, F416fs.
Identifiers: ClinVar variation 428090 (VCV000428090.7), dbSNP rs1114167542, ClinGen allele CA645369505.